The following is an entry in ClinVar:

ClinVar aggregate classification (germline): Likely benign. Review status: criteria provided, single submitter (1 of 4 stars). 2 submissions from 2 submitters: Likely benign (1). 1 of the submissions does not count toward it. Last evaluated 2025-12-20.

Conditions:
BLVRA-related disorder. Also called: BLVRA-related condition.

Allele frequency attached by ClinVar (database versions not stated): ExAC 0.00030; 1000 Genomes Project 30x 0.00031; gnomAD exomes 0.00036; ESP Exome Variant Server 0.00038; 1000 Genomes Project 0.00040; gnomAD 0.00040; TOPMed 0.00056.
gnomAD v4.1: 589 of 1,613,862 alleles (0.036%); highest among the groups gnomAD compares: Admixed American, 0.097%; no homozygotes.

Submissions (2):

Labcorp Genetics (formerly Invitae), Labcorp
Classification: Likely benign. Last evaluated: 2025-12-20. Review status: criteria provided, single submitter. Criteria: Invitae Variant Classification Sherloc (09022015). Collection method: clinical testing. Allele origin: germline.

PreventionGenetics, part of Exact Sciences
Classification: Likely benign for BLVRA-related condition. Last evaluated: 2019-03-20. Review status: no assertion criteria provided. Collection method: clinical testing. Allele origin: germline. Not counted in ClinVar's aggregate classification.
Comment: This variant is classified as likely benign based on ACMG/AMP sequence variant interpretation guidelines (Richards et al. 2015 PMID: 25741868, with internal and published modifications).

NM_000712.4(BLVRA):c.353-4A>G

Gene: BLVRA (biliverdin reductase A; plus strand). Cytogenetic location: 7p13.
Variant type: single nucleotide variant.
Coding change: c.353-4A>G on transcript NM_000712.4 (MANE Select); 4 bases into the intron before coding-DNA position 353, A replaced by G.
Molecular consequence: intron variant.
Genome position (GRCh38, 1-based): chr7:43,800,461, A>G. VCF-style: chr7-43800461-A-G. GRCh37 (hg19) VCF-style: chr7-43840060-A-G.
Other names: c.353-4A>G (NM_001253823.2, NM_000712.3).
Identifiers: ClinVar variation 2045043 (VCV002045043.6), dbSNP rs146389616, ClinGen allele CA4234095.